The following is an entry in ClinVar:

NM_001009944.3(PKD1):c.1418_1419del (p.Val473fs)

Gene: PKD1 (polycystin 1, transient receptor potential channel interacting; minus strand). Cytogenetic location: 16p13.3.
Variant type: Microsatellite.
Coding change: c.1418_1419del on transcript NM_001009944.3 (MANE Select); coding-DNA positions 1418 to 1419, 2 bases deleted (TG; older notation c.1418_1419delTG).
Protein change: p.Val473fs; shifts the reading frame from valine 473.
Molecular consequence: frameshift variant.
Genome position (GRCh38, 1-based): chr16:2,117,020-2,117,021, CA deleted on the plus strand (TG on the coding strand, the reverse complement: PKD1 is on the minus strand); deleting any 2 consecutive bases within chr16:2,117,020-2,117,023 gives the same sequence; the c. name uses the placement nearest the transcript's 3' end. VCF-style (leftmost placement, unchanged base first): chr16-2117019-GCA-G. GRCh37 (hg19) VCF-style: chr16-2167020-GCA-G.
Other names: c.1418_1419del, p.Val473fs (NM_000296.4); c.1418_1419delTG (NM_001009944.3); short protein forms V473fs.
Identifiers: ClinVar variation 1179098 (VCV001179098.5), dbSNP rs2151820943, ClinGen allele CA2580613390.

ClinVar aggregate classification (germline): Pathogenic/Likely pathogenic. Review status: criteria provided, multiple submitters, no conflicts (2 of 4 stars). 3 submissions from 3 submitters: Pathogenic (2); Likely pathogenic (1). Last evaluated 2025-05-01.

Conditions:
Polycystic kidney disease, adult type (PKD1). Also called: POLYCYSTIC KIDNEY DISEASE 1 WITH OR WITHOUT POLYCYSTIC LIVER DISEASE; POLYCYSTIC KIDNEY DISEASE, ADULT, TYPE I; Polycystic Kidney Disease 1, Autosomal Dominant; Polycystic kidney disease 1; Polycystic kidney disease 1, severe; Polycystic Kidney, Autosomal Dominant. Identifiers: MedGen C3149841, MONDO:0008263, OMIM 173900.

Submissions (3):

Women's Health and Genetics/Laboratory Corporation of America, LabCorp
Classification: Pathogenic for Polycystic kidney disease, adult type. Last evaluated: 2025-05-01. Review status: criteria provided, single submitter. Criteria: LabCorp Variant Classification Summary - May 2015. Collection method: clinical testing. Allele origin: germline.
Comment: Variant summary: PKD1 c.1418_1419delTG (p.Val473AlafsX45) results in a premature termination codon, predicted to cause a truncation of the encoded protein or absence of the protein due to nonsense mediated decay, which are commonly known mechanisms for disease. The frequency data for this variant in gnomAD is considered unreliable, as metrics indicate poor data quality at this position. c.1418_1419delTG has been observed in individual(s) affected with chronic kidney disease (Bleyer_2022). The following publication have been ascertained in the context of this evaluation (PMID: 35325889). ClinVar contains an entry for this variant (Variation ID: 1179098). Based on the evidence outlined above, the variant was classified as pathogenic.

Fulgent Genetics
Classification: Pathogenic for Polycystic kidney disease, adult type. Last evaluated: 2021-06-30. Review status: criteria provided, single submitter. Criteria: ACMG Guidelines, 2015. Collection method: clinical testing. Allele origin: unknown.
Comment: This variant has been detected in individual(s) who were sent for testing of Renasight - kidney gene panel.

Juno Genomics, Hangzhou Juno Genomics, Inc
Classification: Likely pathogenic for Polycystic kidney disease, adult type. Review status: criteria provided, single submitter. Criteria: ACMG Guidelines, 2015. Collection method: clinical testing. Allele origin: germline. Affected: yes.
Comment: Absent from controls (or at extremely low frequency if recessive) in Genome Aggregation Database, Exome Sequencing Project, 1000 Genomes Project, or Exome Aggregation Consortium.;Null variant in a gene where loss of function (LOF) is a known mechanism of disease.

Literature cited by the submitters: PubMed 35325889 (cited by Women's Health and Genetics/Laboratory Corporation of America, LabCorp).